The following is an entry in ClinVar:

ClinVar aggregate classification (germline): Uncertain significance (1 of 4 stars; one submission).

Conditions:
Hereditary cancer-predisposing syndrome. Also called: Neoplastic Syndromes, Hereditary; Tumor predisposition; Hereditary Cancer Syndrome; Hereditary neoplastic syndrome. Identifiers: Orphanet 140162, MedGen C0027672, MeSH D009386, MONDO:0015356.

Submission:

Ambry Genetics
Classification: Uncertain significance for Hereditary cancer-predisposing syndrome. Last evaluated: 2026-01-05. Review status: criteria provided, single submitter. Criteria: Ambry Variant Classification Scheme 2023. Collection method: clinical testing. Allele origin: germline.
Comment: The p.D440H variant (also known as c.1318G>C), located in coding exon 13 of the POLE gene, results from a G to C substitution at nucleotide position 1318. The aspartic acid at codon 440 is replaced by histidine, an amino acid with similar properties. This amino acid position is highly conserved in available vertebrate species. In addition, the in silico prediction for this alteration is inconclusive. Based on the available evidence, the clinical significance of this variant remains unclear.

NM_006231.4(POLE):c.1318G>C (p.Asp440His)

Gene: POLE (DNA polymerase epsilon, catalytic subunit; minus strand). Cytogenetic location: 12q24.33.
Variant type: single nucleotide variant.
Coding change: c.1318G>C on transcript NM_006231.4 (MANE Select); coding-DNA position 1318, G replaced by C.
Protein change: p.Asp440His; replaces aspartic acid 440 with histidine.
Molecular consequence: missense variant.
Genome position (GRCh38, 1-based): chr12:132,673,616, C>G on the plus strand (G>C on the coding strand, the complement: POLE is on the minus strand). VCF-style: chr12-132673616-C-G. GRCh37 (hg19) VCF-style: chr12-133250202-C-G.
Other names: short protein forms D440H.
Identifiers: ClinVar variation 4841508 (VCV004841508.1).